The following is an entry in ClinVar:

NM_000044.6(AR):c.754G>T (p.Glu252Ter)

Gene: AR (androgen receptor; plus strand). Cytogenetic location: Xq12.
Variant type: single nucleotide variant.
Coding change: c.754G>T on transcript NM_000044.6 (MANE Select); coding-DNA position 754, G replaced by T.
Protein change: p.Glu252Ter; replaces glutamic acid 252 with a stop codon.
Molecular consequence: nonsense. On other transcripts: 5 prime UTR variant (1).
Genome position (GRCh38, 1-based): chrX:67,545,900, G>T. VCF-style: chrX-67545900-G-T. GRCh37 (hg19) VCF-style: chrX-66765742-G-T.
Other names: c.-1030G>T (NM_001011645.3); c.754G>T, p.Glu252Ter (NM_001348061.1, NM_001348063.1, NM_001348064.1); short protein forms E252*.
Identifiers: ClinVar variation 1805479 (VCV001805479.1), dbSNP rs2147318231, ClinGen allele CA413425572.

ClinVar aggregate classification (germline): Pathogenic (1 of 4 stars; one submission).

Conditions:
Androgen resistance syndrome (AIS). Also called: TESTICULAR FEMINIZATION SYNDROME; Androgen insensitivity syndrome; Androgen insensitivity, complete; Androgen insensitivity syndrome due to coactivator deficiency; ANDROGEN RECEPTOR DEFICIENCY; DIHYDROTESTOSTERONE RECEPTOR DEFICIENCY. Identifiers: Orphanet 754, Orphanet 99429, MedGen C0039585, MONDO:0019154, OMIM 300068. Disease mechanism: loss of function.

Submission:

Victorian Clinical Genetics Services, Murdoch Childrens Research Institute
Classification: Pathogenic for Androgen resistance syndrome. Last evaluated: 2020-07-02. Review status: criteria provided, single submitter. Criteria: ACMG Guidelines, 2015. Collection method: clinical testing. Allele origin: germline. Inheritance: X-linked recessive inheritance. Affected: yes.
Comment: Based on the classification scheme VCGS_Germline_v1.3.3, this variant is classified as Pathogenic. Following criteria are met: 0102 - Loss of function is a known mechanism of disease in this gene and is associated with androgen insensitivity syndrome. (I) 0109 - This gene is associated with X-linked recessive disease. (I) 0201 - Variant is predicted to cause nonsense-mediated decay (NMD) and loss of protein (premature termination codon is located at least 54 nucleotides upstream of the final exon-exon junction). (SP) 0253 - This variant is hemizygous. (I) 0301 - Variant is absent from gnomAD (both v2.1.1 and v3). (SP) 0701 - Other NMD-predicted variants comparable to the one identified in this case have very strong previous evidence for pathogenicity. Multiple nonsense and frameshift variants have been reported in association with androgen insensitivity syndrome (ClinVar, DECIPHER, HGMD, Androgen Receptor Gene Mutations database, PMID: 19463997). (SP) 0807 - This variant has no previous evidence of pathogenicity. (I) 0905 - No published segregation evidence has been identified for this variant. (I) 1007 - No published functional evidence has been identified for this variant. (I) 1208 - Inheritance information for this variant is not currently available in this individual. (I) Legend: (SP) - Supporting Pathogenic, (I) – Information, (SB) – Supporting Benign

Literature cited by the submitters: PubMed 19463997.